The following is an entry in ClinVar:

ClinVar aggregate classification (germline): Conflicting classifications of pathogenicity. Review status: criteria provided, conflicting classifications (1 of 4 stars). 7 submissions from 7 submitters: Uncertain significance (1); Benign (1); Likely benign (4). 1 of the submissions does not count toward it. Last evaluated 2026-02-03.

Conditions:
Cardiovascular phenotype. Identifiers: MedGen CN230736.
MYBPC3-related disorder. Also called: MYBPC3-related condition; MYBPC3-related disease; MYBPC3-related disorders.
Cardiomyopathy (CMYO). Also called: Cardiomyopathies. Identifiers: Orphanet 167848, MedGen C0878544, MONDO:0004994, HP:0001638. Inheritance: Various modes of inheritance.
Hypertrophic cardiomyopathy. Also called: HYPERTROPHIC MYOCARDIOPATHY. Identifiers: Orphanet 217569, MedGen C0007194, MeSH D002312, MONDO:0005045, HP:0001639.

Allele frequency attached by ClinVar (database versions not stated): gnomAD exomes 0.00002 and 0.00007; ESP Exome Variant Server 0.00008; ExAC 0.00016; gnomAD 0.00029; TOPMed 0.00030; 1000 Genomes Project 0.00060; 1000 Genomes Project 30x 0.00078.

Submissions (7):

Labcorp Genetics (formerly Invitae), Labcorp
Classification: Benign for Hypertrophic cardiomyopathy. Last evaluated: 2026-02-03. Review status: criteria provided, single submitter. Criteria: Invitae Variant Classification Sherloc (09022015). Collection method: clinical testing. Allele origin: germline.

Ambry Genetics
Classification: Likely benign for Cardiovascular phenotype. Last evaluated: 2025-01-07. Review status: criteria provided, single submitter. Criteria: Ambry Variant Classification Scheme 2023. Collection method: clinical testing. Allele origin: germline.

All of Us Research Program, National Institutes of Health
Classification: Likely benign for Hypertrophic cardiomyopathy. Last evaluated: 2023-08-15. Review status: criteria provided, single submitter. Criteria: ACMG Guidelines, 2015. Collection method: clinical testing. Allele origin: germline. Inheritance: Autosomal dominant inheritance. Observed: 13 variant alleles, 13 heterozygotes.
Comment: This study involves interpretation of variants in research participants for the purpose of population health screening. Participant phenotype was not available at the time of variant classification. Additional details can be found in publication PMID: 35346344, PMCID: PMC8962531

GeneDx
Classification: Likely benign. Last evaluated: 2021-05-10. Review status: criteria provided, single submitter. Criteria: GeneDx Variant Classification Process June 2021. Collection method: clinical testing. Allele origin: germline. Affected: yes.
Comment: This variant is associated with the following publications: (PMID: 31638414, 28679633)

Color Diagnostics, LLC DBA Color Health
Classification: Likely benign for Cardiomyopathy. Last evaluated: 2019-03-08. Review status: criteria provided, single submitter. Criteria: ACMG Guidelines, 2015. Collection method: clinical testing. Allele origin: germline.

Eurofins Ntd Llc (ga)
Classification: Uncertain significance. Last evaluated: 2014-09-01. Review status: criteria provided, single submitter. Criteria: EGL Classification Definitions 2015. Collection method: clinical testing. Allele origin: germline. Observed: 1 variant allele, 1 heterozygote.

PreventionGenetics, part of Exact Sciences
Classification: Likely benign for MYBPC3-related condition. Last evaluated: 2020-07-27. Review status: no assertion criteria provided. Collection method: clinical testing. Allele origin: germline. Not counted in ClinVar's aggregate classification.
Comment: This variant is classified as likely benign based on ACMG/AMP sequence variant interpretation guidelines (Richards et al. 2015 PMID: 25741868, with internal and published modifications).

NM_000256.3(MYBPC3):c.3279C>T (p.Gly1093=)

Gene: MYBPC3 (myosin binding protein C3; minus strand). Cytogenetic location: 11p11.2.
Variant type: single nucleotide variant.
Coding change: c.3279C>T on transcript NM_000256.3 (MANE Select); coding-DNA position 3279, C replaced by T.
Protein change: p.Gly1093=; no amino-acid change (glycine 1093 retained).
Molecular consequence: synonymous variant.
Genome position (GRCh38, 1-based): chr11:47,333,245, G>A on the plus strand (C>T on the coding strand, the complement: MYBPC3 is on the minus strand). VCF-style: chr11-47333245-G-A. GRCh37 (hg19) VCF-style: chr11-47354796-G-A.
Identifiers: ClinVar variation 188579 (VCV000188579.28), dbSNP rs36212064, ClinGen allele CA013761.
Genomic context (GRCh38, chr11:47,333,245, plus strand): 5'-TGGGCTCACCATGGTCTTCTTGTCGGCTTTCTGCACTGTGTACCCCCAGAGCTCCGTGTT[G>A]CCGACATCCTGGGGTGGCTTCCACTCCAGAGCCACATTAAGACCCCAGGCGTCAGTCACC-3'
Protein context (NP_000247.2, residues 1083-1103): ALEWKPPQDV[Gly1093=]NTELWGYTVQ